The following is an entry in ClinVar:

ClinVar aggregate classification (germline): Uncertain significance (1 of 4 stars; one submission).

Allele frequency attached by ClinVar (database versions not stated): gnomAD exomes below 0.00001.
gnomAD v4.1: 2 of 1,603,148 alleles (0.00012%); highest among the groups gnomAD compares: Non-Finnish European, 0.00017%; no homozygotes.

Submission:

Labcorp Genetics (formerly Invitae), Labcorp
Classification: Uncertain significance. Last evaluated: 2022-03-04. Review status: criteria provided, single submitter. Criteria: Invitae Variant Classification Sherloc (09022015). Collection method: clinical testing. Allele origin: germline.
Comment: This sequence change replaces alanine, which is neutral and non-polar, with valine, which is neutral and non-polar, at codon 484 of the KIF11 protein (p.Ala484Val). This variant is not present in population databases (gnomAD no frequency). This variant has not been reported in the literature in individuals affected with KIF11-related conditions. ClinVar contains an entry for this variant (Variation ID: 953844). Algorithms developed to predict the effect of missense changes on protein structure and function output the following: SIFT: "Tolerated"; PolyPhen-2: "Benign"; Align-GVGD: "Class C0". The valine amino acid residue is found in multiple mammalian species, which suggests that this missense change does not adversely affect protein function. In summary, the available evidence is currently insufficient to determine the role of this variant in disease. Therefore, it has been classified as a Variant of Uncertain Significance.

NM_004523.4(KIF11):c.1451C>T (p.Ala484Val)

Gene: KIF11 (kinesin family member 11; plus strand). Cytogenetic location: 10q23.33.
Variant type: single nucleotide variant.
Coding change: c.1451C>T on transcript NM_004523.4 (MANE Select); coding-DNA position 1451, C replaced by T.
Protein change: p.Ala484Val; replaces alanine 484 with valine.
Molecular consequence: missense variant.
Genome position (GRCh38, 1-based): chr10:92,630,321, C>T. VCF-style: chr10-92630321-C-T. GRCh37 (hg19) VCF-style: chr10-94390078-C-T.
Other names: short protein forms A484V.
Identifiers: ClinVar variation 953844 (VCV000953844.9), dbSNP rs1844723506, ClinGen allele CA377591916.